The following is an entry in ClinVar:

NM_021922.3(FANCE):c.88CTGCAGGCG[1] (p.30LQA[1])

Genes: FANCE (FA complementation group E; plus strand), LOC129996245 (ATAC-STARR-seq lymphoblastoid silent region 17092; plus strand). Cytogenetic location: 6p21.31.
Variant type: Microsatellite.
Coding change: c.88CTGCAGGCG[1] on transcript NM_021922.3 (MANE Select); one copy of the 9-base unit CTGCAGGCG starting at c.88; the reference has two copies in a row; one copy, 9 bases deleted; also written c.97_105del.
Protein change: p.30LQA[1].
Molecular consequence: inframe deletion.
Genome position (GRCh38, 1-based): chr6:35,452,642-35,452,650, CTGCAGGCG deleted; deleting any 9 consecutive bases within chr6:35,452,632-35,452,650 gives the same sequence; the position shown is the placement nearest the transcript's 3' end. VCF-style (leftmost placement, unchanged base first): chr6-35452631-TGCTGCAGGC-T. GRCh37 (hg19) VCF-style: chr6-35420408-TGCTGCAGGC-T.
Other names: c.97_105del (NM_021922.3); c.97_105delCTGCAGGCG (NM_021922.2).
Identifiers: ClinVar variation 539300 (VCV000539300.8), dbSNP rs780106496, ClinGen allele CA3771350.

ClinVar aggregate classification (germline): Uncertain significance. Review status: criteria provided, multiple submitters, no conflicts (2 of 4 stars). 2 submissions from 2 submitters: Uncertain significance (2). Last evaluated 2025-11-04.

Conditions:
Fanconi anemia complementation group E (FANCE). Also called: FANCE-Related Fanconi Anemia. Identifiers: Orphanet 84, MedGen C3160739, MONDO:0010953, OMIM 600901.

Submissions (2):

Labcorp Genetics (formerly Invitae), Labcorp
Classification: Uncertain significance for Fanconi anemia complementation group E. Last evaluated: 2025-11-04. Review status: criteria provided, single submitter. Criteria: Invitae Variant Classification Sherloc (09022015). Collection method: clinical testing. Allele origin: germline.
Comment: This variant, c.97_105del, results in the deletion of 3 amino acid(s) of the FANCE protein (p.Leu33_Ala35del), but otherwise preserves the integrity of the reading frame. This variant is present in population databases (rs780106496, gnomAD 0.2%). This variant has not been reported in the literature in individuals affected with FANCE-related conditions. In summary, the available evidence is currently insufficient to determine the role of this variant in disease. Therefore, it has been classified as a Variant of Uncertain Significance.

Fulgent Genetics
Classification: Uncertain significance for Fanconi anemia complementation group E. Last evaluated: 2024-02-26. Review status: criteria provided, single submitter. Criteria: ACMG Guidelines, 2015. Collection method: clinical testing. Allele origin: germline.